The following is an entry in ClinVar:

NM_001379500.1(COL18A1):c.1642C>T (p.Pro548Ser)

Gene: COL18A1 (collagen type XVIII alpha 1 chain; plus strand). Cytogenetic location: 21q22.3.
Variant type: single nucleotide variant.
Coding change: c.1642C>T on transcript NM_001379500.1 (MANE Select); coding-DNA position 1642, C replaced by T.
Protein change: p.Pro548Ser; replaces proline 548 with serine.
Molecular consequence: missense variant.
Genome position (GRCh38, 1-based): chr21:45,481,993, C>T. VCF-style: chr21-45481993-C-T. GRCh37 (hg19) VCF-style: chr21-46901907-C-T.
Other names: c.2182C>T, p.Pro728Ser (NM_030582.4); c.2887C>T, p.Pro963Ser (NM_130444.3); short protein forms P728S, P963S, P548S.
Identifiers: ClinVar variation 1424895 (VCV001424895.5), dbSNP rs370509732, ClinGen allele CA321917662.

ClinVar aggregate classification (germline): Uncertain significance (1 of 4 stars; one submission).

Allele frequency attached by ClinVar (database versions not stated): gnomAD 0.00001; gnomAD exomes 0.00001 and 0.00004; TOPMed 0.00002; ESP Exome Variant Server 0.00008.
gnomAD v4.1: 59 of 1,613,240 alleles (0.0037%); highest among the groups gnomAD compares: Non-Finnish European, 0.0049%; no homozygotes.

Submission:

Labcorp Genetics (formerly Invitae), Labcorp
Classification: Uncertain significance. Last evaluated: 2022-05-16. Review status: criteria provided, single submitter. Criteria: Invitae Variant Classification Sherloc (09022015). Collection method: clinical testing. Allele origin: germline.
Comment: This sequence change replaces proline, which is neutral and non-polar, with serine, which is neutral and polar, at codon 548 of the COL18A1 protein (p.Pro548Ser). This variant is present in population databases (rs370509732, gnomAD 0.002%). This variant has not been reported in the literature in individuals affected with COL18A1-related conditions. Experimental studies and prediction algorithms are not available or were not evaluated, and the functional significance of this variant is currently unknown. In summary, the available evidence is currently insufficient to determine the role of this variant in disease. Therefore, it has been classified as a Variant of Uncertain Significance.